The following is an entry in ClinVar:

NM_025114.4(CEP290):c.6798G>A (p.Trp2266Ter)

Gene: CEP290 (centrosomal protein 290; minus strand). Cytogenetic location: 12q21.32.
Variant type: single nucleotide variant.
Coding change: c.6798G>A on transcript NM_025114.4 (MANE Select); coding-DNA position 6798, G replaced by A.
Protein change: p.Trp2266Ter; replaces tryptophan 2266 with a stop codon.
Molecular consequence: nonsense.
Genome position (GRCh38, 1-based): chr12:88,058,868, C>T on the plus strand (G>A on the coding strand, the complement: CEP290 is on the minus strand). VCF-style: chr12-88058868-C-T. GRCh37 (hg19) VCF-style: chr12-88452645-C-T.
Other names: short protein forms W2266*.
Identifiers: ClinVar variation 497937 (VCV000497937.26), dbSNP rs760540562, ClinGen allele CA6711432.
Genomic context (GRCh38, chr12:88,058,868, plus strand): 5'-AATGATTAAACTTTGTACAAGTTTAAAACTCTGTTCCTACCTTGTAACCACAATGGATTT[C>T]CAGCTCTTACTGTCAGCACCTTCAAGCTGTGGACCTCTGCTTTCTGCAAACTGCAATCTC-3'

ClinVar aggregate classification (germline): Pathogenic. Review status: criteria provided, multiple submitters, no conflicts (2 of 4 stars). 11 submissions from 11 submitters: Pathogenic (11). Last evaluated 2026-01-26.

Conditions:
CEP290-related ciliopathy. Also called: CEP290 ciliopathy. Identifiers: MedGen CN305601, MONDO:0100451.
Meckel-Gruber syndrome. Also called: DYSENCEPHALIA SPLANCHNOCYSTICA; GRUBER SYNDROME; Dysencephalia splachnocystica. Identifiers: Orphanet 564, MedGen C0265215, MONDO:0018921.
Nephronophthisis. Also called: Juvenile Nephronophthisis. Identifiers: Orphanet 655, MedGen C0687120, MONDO:0019005, HP:0000090.
Joubert syndrome. Also called: JOUBERT-BOLTSHAUSER SYNDROME; Familial aplasia of the vermis. Identifiers: Orphanet 475, MedGen C5979921, MONDO:0018772.
Senior-Loken syndrome 6 (SLSN6). Identifiers: Orphanet 3156, MedGen C1857779, MONDO:0012433, OMIM 610189.
Meckel syndrome, type 4 (MKS4). Also called: MECKEL-GRUBER SYNDROME, TYPE 4. Identifiers: Orphanet 564, MedGen C1970161, MONDO:0012626, OMIM 611134.
Bardet-Biedl syndrome 14 (BBS14). Identifiers: Orphanet 110, MedGen C2673874, MONDO:0014442, OMIM 615991.
Leber congenital amaurosis 10 (LCA10). Identifiers: Orphanet 65, MedGen C1857821, MONDO:0012723, OMIM 611755.
Joubert syndrome 5 (JBTS5). Identifiers: Orphanet 2318, MedGen C1857780, MONDO:0012432, OMIM 610188.
Leber congenital amaurosis (LCA). Also called: Leber's amaurosis. Identifiers: Orphanet 65, MedGen C0339527, MeSH D057130, MONDO:0018998.
Kidney disorder. Also called: Kidney disease; Kidney Diseases; renal disorder; renal disease; Nephropathy. Identifiers: MedGen C0022658, MONDO:0005240, HP:0000112.
CEP290-related disorder. Also called: CEP290-related condition; CEP290-related disorders. Identifiers: MedGen CN239314.

Allele frequency attached by ClinVar (database versions not stated): gnomAD 0.00002; TOPMed 0.00004; gnomAD exomes 0.00013; ExAC 0.00016.
gnomAD v4.1: 41 of 1,613,676 alleles (0.0025%); highest among the groups gnomAD compares: East Asian, 0.051%; no homozygotes.

Submissions (11):

Medical and Scientific Branch, Hong Kong Genome Institute
Classification: Pathogenic for CEP290-related ciliopathy. Last evaluated: 2026-01-26. Review status: criteria provided, single submitter. Criteria: ACMG Guidelines, 2015. Collection method: clinical testing. Allele origin: unknown. Affected: yes.

Labcorp Genetics (formerly Invitae), Labcorp
Classification: Pathogenic for Joubert syndrome; Meckel-Gruber syndrome; Nephronophthisis. Last evaluated: 2026-01-24. Review status: criteria provided, single submitter. Criteria: Invitae Variant Classification Sherloc (09022015). Collection method: clinical testing. Allele origin: germline.
Comment: This sequence change creates a premature translational stop signal (p.Trp2266*) in the CEP290 gene. It is expected to result in an absent or disrupted protein product. Loss-of-function variants in CEP290 are known to be pathogenic (PMID: 16909394, 17345604, 20690115). This variant is present in population databases (rs760540562, gnomAD 0.2%). This variant has not been reported in the literature in individuals affected with CEP290-related conditions. ClinVar contains an entry for this variant (Variation ID: 497937). For these reasons, this variant has been classified as Pathogenic.

Natera, Inc.
Classification: Pathogenic for Leber congenital amaurosis. Last evaluated: 2025-02-23. Review status: criteria provided, single submitter. Criteria: Natera Variant Classification Schema (03/2026). Collection method: clinical testing. Allele origin: germline.
Comment: The c.6798G>A variant in CEP290 is a nonsense variant predicted to introduce a stop codon at amino acid 2266. This variant is expected to result in nonsense mediated decay, truncation, or a dysfunctional protein product. This variant is rare in the general population with a frequency below the threshold expected for the associated phenotype(s). This variant has been observed in one or more individuals affected with the associated recessive disease, as either homozygous or compound heterozygous with a second variant (PMID: 36990420). Given the available evidence, this variant is classified as Pathogenic.

Baylor Genetics
Classification: Pathogenic for Bardet-Biedl syndrome 14. Last evaluated: 2024-03-28. Review status: criteria provided, single submitter. Criteria: ACMG Guidelines, 2015. Collection method: clinical testing. Allele origin: unknown.

Fulgent Genetics
Classification: Pathogenic for Joubert syndrome 5; Senior-Loken syndrome 6; Meckel syndrome, type 4; Leber congenital amaurosis 10; Bardet-Biedl syndrome 14. Last evaluated: 2023-12-21. Review status: criteria provided, single submitter. Criteria: ACMG Guidelines, 2015. Collection method: clinical testing. Allele origin: germline.

Blueprint Genetics
Classification: Pathogenic for CEP290-related disorders. Last evaluated: 2023-12-15. Review status: criteria provided, single submitter. Criteria: ACMG Guidelines, 2015. Collection method: clinical testing. Allele origin: germline. Affected: yes. Observed: 5 variant alleles.

Women's Health and Genetics/Laboratory Corporation of America, LabCorp
Classification: Pathogenic for CEP290-related disorder. Last evaluated: 2022-07-20. Review status: criteria provided, single submitter. Criteria: LabCorp Variant Classification Summary - May 2015. Collection method: clinical testing. Allele origin: germline.
Comment: Variant summary: CEP290 c.6798G>A (p.Trp2266X) results in a premature termination codon, predicted to cause a truncation of the encoded protein or absence of the protein due to nonsense mediated decay, which are commonly known mechanisms for disease. Truncations downstream of this position have been classified as pathogenic by our laboratory. The variant allele was found at a frequency of 0.00013 in 251868 control chromosomes (gnomAD and Kausthubham_2021). It is seen predominantly within the East Asian subpopulation in the gnomAD database at a frequency of 0.0017, and has been reported at a frequency of 0.0025 in Han Chinese population (Wei_2021). However, this frequency allows no specific conclusions to be made about variant significance. c.6798G>A has been reported in the literature in at least one individual affected with Leber congenital amaurosis (e.g. Zhu_2021) and in compound heterozygous individuals with clinical symptoms such as episodic ataxia and retinal dystrophy (e.g.Hamed_2020, Hull_2020), which are features of some CEP290-Related Disorders. These data indicate that the variant is likely to be associated with disease. Three clinical diagnostic laboratories have submitted clinical-significance assessments for this variant to ClinVar after 2014 and all classified the variant as pathogenic. Based on the evidence outlined above, the variant was classified as pathogenic.

3billion
Classification: Pathogenic for Leber congenital amaurosis 10. Last evaluated: 2022-05-22. Review status: criteria provided, single submitter. Criteria: ACMG Guidelines, 2015. Collection method: clinical testing. Allele origin: germline. Affected: yes. Observed: 1 heterozygote.
Comment: The variant is observed at an extremely low frequency in the gnomAD v2.1.1 dataset (total allele frequency: 0.012%). Stop-gained (nonsense): predicted to result in a loss or disruption of normal protein function through nonsense-mediated decay (NMD) or protein truncation. Multiple pathogenic variants are reported downstream of the variant. The variant has been reported at least twice as pathogenic without evidence for the classification (ClinVar ID: VCV000497937). Therefore, this variant is classified as pathogenic according to the recommendation of ACMG/AMP guideline.

Genome Diagnostics Laboratory, The Hospital for Sick Children
Classification: Pathogenic for Kidney disorder. Last evaluated: 2021-06-24. Review status: criteria provided, single submitter. Criteria: ACMG Guidelines, 2015. Collection method: clinical testing. Allele origin: germline.

Eurofins Ntd Llc (ga)
Classification: Pathogenic. Last evaluated: 2016-11-18. Review status: criteria provided, single submitter. Criteria: EGL Classification Definitions 2015. Collection method: clinical testing. Allele origin: germline. Observed: 1 variant allele, 1 heterozygote.

Juno Genomics, Hangzhou Juno Genomics, Inc
Classification: Pathogenic for Bardet-Biedl syndrome 14; Joubert syndrome 5; Leber congenital amaurosis 10; Meckel syndrome, type 4; Senior-Loken syndrome 6. Review status: criteria provided, single submitter. Criteria: ACMG Guidelines, 2015. Collection method: clinical testing. Allele origin: germline.
Comment: Null variant in a gene where loss of function (LOF) is a known mechanism of disease.;For recessive disorders, detected in trans with a pathogenic variant.

Literature cited by the submitters: PubMed 16909394 (cited by Labcorp Genetics (formerly Invitae), Labcorp); PubMed 17345604 (cited by Labcorp Genetics (formerly Invitae), Labcorp); PubMed 20690115 (cited by Labcorp Genetics (formerly Invitae), Labcorp); PubMed 36990420 (cited by Natera, Inc.); PubMed 33502066 (cited by Women's Health and Genetics/Laboratory Corporation of America, LabCorp); PubMed 31970223 (cited by Women's Health and Genetics/Laboratory Corporation of America, LabCorp); PubMed 32856788 (cited by Women's Health and Genetics/Laboratory Corporation of America, LabCorp); PubMed 33574314 (cited by Women's Health and Genetics/Laboratory Corporation of America, LabCorp); PubMed 33970760 (cited by Women's Health and Genetics/Laboratory Corporation of America, LabCorp).